The following is an entry in ClinVar:

ClinVar aggregate classification (germline): Uncertain significance (1 of 4 stars; one submission).

Conditions:
Cardiovascular phenotype. Identifiers: MedGen CN230736.

Submission:

Ambry Genetics
Classification: Uncertain significance for Cardiovascular phenotype. Last evaluated: 2024-03-24. Review status: criteria provided, single submitter. Criteria: Ambry Variant Classification Scheme 2023. Collection method: clinical testing. Allele origin: germline.
Comment: The p.A454V variant (also known as c.1361C>T), located in coding exon 13 of the CACNB2 gene, results from a C to T substitution at nucleotide position 1361. The alanine at codon 454 is replaced by valine, an amino acid with similar properties. This amino acid position is conserved. In addition, this alteration is predicted to be tolerated by in silico analysis. Based on the available evidence, the clinical significance of this alteration remains unclear.

NM_201596.3(CACNB2):c.1523C>T (p.Ala508Val)

Gene: CACNB2 (calcium voltage-gated channel auxiliary subunit beta 2; plus strand). Cytogenetic location: 10p12.31.
Variant type: single nucleotide variant.
Coding change: c.1523C>T on transcript NM_201596.3 (MANE Select); coding-DNA position 1523, C replaced by T.
Protein change: p.Ala508Val; replaces alanine 508 with valine.
Molecular consequence: missense variant.
Genome position (GRCh38, 1-based): chr10:18,539,264, C>T. VCF-style: chr10-18539264-C-T. GRCh37 (hg19) VCF-style: chr10-18828193-C-T.
Other names: c.1358C>T, p.Ala453Val (NM_000724.4); c.1325C>T, p.Ala442Val (NM_001167945.2); c.1244C>T, p.Ala415Val (NM_001330060.2); c.1265C>T, p.Ala422Val (NM_001410882.1); c.1379C>T, p.Ala460Val (NM_201570.3); c.1439C>T, p.Ala480Val (NM_201571.4); c.1367C>T, p.Ala456Val (NM_201572.4); c.1361C>T, p.Ala454Val (NM_201590.3); and 2 more; short protein forms A442V, A453V, A456V, A470V, A480V, A422V, A484V, A508V.
Identifiers: ClinVar variation 3262847 (VCV003262847.1).